The following is an entry in ClinVar:

NM_000535.7(PMS2):c.1506T>C (p.Asp502=)

Gene: PMS2 (PMS1 homolog 2, mismatch repair system component; minus strand). Cytogenetic location: 7p22.1.
Variant type: single nucleotide variant.
Coding change: c.1506T>C on transcript NM_000535.7 (MANE Select); coding-DNA position 1506, T replaced by C.
Protein change: p.Asp502=; no amino-acid change (aspartic acid 502 retained).
Molecular consequence: synonymous variant. On other transcripts: non-coding transcript variant (1).
Genome position (GRCh38, 1-based): chr7:5,987,259, A>G on the plus strand (T>C on the coding strand, the complement: PMS2 is on the minus strand). VCF-style: chr7-5987259-A-G. GRCh37 (hg19) VCF-style: chr7-6026890-A-G.
Other names: c.1101T>C, p.Asp367= (NM_001322003.2, NM_001322004.2, NM_001322005.2 and 1 more transcripts); c.1350T>C, p.Asp450= (NM_001322006.2); c.1188T>C, p.Asp396= (NM_001322007.2, NM_001322008.2); c.945T>C, p.Asp315= (NM_001322010.2); c.573T>C, p.Asp191= (NM_001322011.2, NM_001322012.2); c.933T>C, p.Asp311= (NM_001322013.2); c.1506T>C, p.Asp502= (NM_001322014.2); c.1197T>C, p.Asp399= (NM_001322015.2).
Identifiers: ClinVar variation 230282 (VCV000230282.16), dbSNP rs63750354, ClinGen allele CA044098.

ClinVar aggregate classification (germline): Benign/Likely benign. Review status: criteria provided, multiple submitters, no conflicts (2 of 4 stars). 5 submissions from 5 submitters: Benign (1); Likely benign (4). Last evaluated 2025-01-30.

Conditions:
Hereditary nonpolyposis colorectal neoplasms. Identifiers: MedGen C0009405, MeSH D003123.
Hereditary cancer-predisposing syndrome. Also called: Hereditary neoplastic syndrome; Hereditary Cancer Syndrome; Neoplastic Syndromes, Hereditary; Tumor predisposition. Identifiers: Orphanet 140162, MedGen C0027672, MeSH D009386, MONDO:0015356.
Lynch syndrome. Identifiers: Orphanet 144, MedGen C4552100, MONDO:0005835. Disease mechanism: loss of function.
Lynch syndrome 4 (LYNCH4). Also called: Colorectal cancer, hereditary nonpolyposis, type 4; Hereditary non-polyposis colorectal cancer, type 4. Identifiers: Orphanet 144, MedGen C1838333, MONDO:0013699, OMIM 614337. Disease mechanism: loss of function.

Allele frequency attached by ClinVar (database versions not stated): ExAC 0.00001; gnomAD 0.00001; TOPMed 0.00001; ESP Exome Variant Server 0.00008.
gnomAD v4.1: 1 of 1,613,950 alleles (0.000062%); highest among the groups gnomAD compares: African/African-American, 0.0013%; no homozygotes.

Submissions (5):

Myriad Genetics, Inc.
Classification: Benign for Lynch syndrome 4. Last evaluated: 2025-01-30. Review status: criteria provided, single submitter. Criteria: Myriad Autosomal Dominant, Autosomal Recessive and X-Linked Classification Criteria (2023). Collection method: clinical testing. Allele origin: unknown.
Comment: This variant is considered benign. This variant is a silent/synonymous amino acid change and it is not expected to impact splicing.

Labcorp Genetics (formerly Invitae), Labcorp
Classification: Likely benign for Hereditary nonpolyposis colorectal neoplasms. Last evaluated: 2023-11-11. Review status: criteria provided, single submitter. Criteria: Invitae Variant Classification Sherloc (09022015). Collection method: clinical testing. Allele origin: germline.

All of Us Research Program, National Institutes of Health
Classification: Likely benign for Lynch syndrome. Last evaluated: 2023-10-02. Review status: criteria provided, single submitter. Criteria: ACMG Guidelines, 2015. Collection method: clinical testing. Allele origin: germline. Inheritance: Autosomal dominant inheritance. Observed: 1 variant allele, 1 heterozygote.
Comment: This study involves interpretation of variants in research participants for the purpose of population health screening. Participant phenotype was not available at the time of variant classification. Additional details can be found in publication PMID: 35346344, PMCID: PMC8962531

Color Diagnostics, LLC DBA Color Health
Classification: Likely benign for Hereditary cancer-predisposing syndrome. Last evaluated: 2022-11-06. Review status: criteria provided, single submitter. Criteria: ACMG Guidelines, 2015. Collection method: clinical testing. Allele origin: germline.

Ambry Genetics
Classification: Likely benign for Hereditary cancer-predisposing syndrome. Last evaluated: 2015-01-30. Review status: criteria provided, single submitter. Criteria: Ambry Variant Classification Scheme 2023. Collection method: clinical testing. Allele origin: germline.